The following is an entry in ClinVar:

NM_000430.4(PAFAH1B1):c.901-1G>A

Gene: PAFAH1B1 (platelet activating factor acetylhydrolase 1b regulatory subunit 1; plus strand). Cytogenetic location: 17p13.3.
Variant type: single nucleotide variant.
Coding change: c.901-1G>A on transcript NM_000430.4 (MANE Select); the canonical splice acceptor site of the intron before coding-DNA position 901, G replaced by A.
Molecular consequence: splice acceptor variant.
Genome position (GRCh38, 1-based): chr17:2,676,504, G>A. VCF-style: chr17-2676504-G-A. GRCh37 (hg19) VCF-style: chr17-2579798-G-A.
Identifiers: ClinVar variation 2034495 (VCV002034495.4), dbSNP rs879195935, ClinGen allele CA397642116.

ClinVar aggregate classification (germline): Likely pathogenic (1 of 4 stars; one submission).

Submission:

Labcorp Genetics (formerly Invitae), Labcorp
Classification: Likely pathogenic. Last evaluated: 2022-10-07. Review status: criteria provided, single submitter. Criteria: Invitae Variant Classification Sherloc (09022015). Collection method: clinical testing. Allele origin: germline.
Comment: This sequence change affects an acceptor splice site in intron 8 of the PAFAH1B1 gene. It is expected to disrupt RNA splicing. Variants that disrupt the donor or acceptor splice site typically lead to a loss of protein function (PMID: 16199547), and loss-of-function variants in PAFAH1B1 are known to be pathogenic (PMID: 1671808, 11115846, 14581661). This variant is not present in population databases (gnomAD no frequency). Disruption of this splice site has been observed in individual(s) with lissencephaly (Invitae). Algorithms developed to predict the effect of sequence changes on RNA splicing suggest that this variant may disrupt the consensus splice site. In summary, the currently available evidence indicates that the variant is pathogenic, but additional data are needed to prove that conclusively. Therefore, this variant has been classified as Likely Pathogenic.

Literature cited by the submitters: PubMed 16199547; PubMed 1671808; PubMed 11115846; PubMed 14581661.